The following is an entry in ClinVar:

NM_170784.3(MKKS):c.14A>C (p.Glu5Ala)

Gene: MKKS (MKKS centrosomal shuttling protein; minus strand). Cytogenetic location: 20p12.2.
Variant type: single nucleotide variant.
Coding change: c.14A>C on transcript NM_170784.3 (MANE Select); coding-DNA position 14, A replaced by C.
Protein change: p.Glu5Ala; replaces glutamic acid 5 with alanine.
Molecular consequence: missense variant.
Genome position (GRCh38, 1-based): chr20:10,413,501, T>G on the plus strand (A>C on the coding strand, the complement: MKKS is on the minus strand). VCF-style: chr20-10413501-T-G. GRCh37 (hg19) VCF-style: chr20-10394149-T-G.
Other names: c.14A>C, p.Glu5Ala (NM_018848.3); short protein forms E5A.
Identifiers: ClinVar variation 1803890 (VCV001803890.3), dbSNP rs562893409, ClinGen allele CA9763763.

ClinVar aggregate classification (germline): Uncertain significance. Review status: criteria provided, multiple submitters, no conflicts (2 of 4 stars). 2 submissions from 2 submitters: Uncertain significance (2). Last evaluated 2026-02-16.

Conditions:
MKKS-related disorder. Also called: MKKS-related condition; MKKS-related disorders.
McKusick-Kaufman syndrome (MKKS). Also called: HYDROMETROCOLPOS SYNDROME; HYDROMETROCOLPOS, POSTAXIAL POLYDACTYLY, AND CONGENITAL HEART MALFORMATION. Identifiers: Orphanet 2473, MedGen C0948368, MONDO:0009367, OMIM 236700.
Bardet-Biedl syndrome 6 (BBS6). Identifiers: Orphanet 110, MedGen C1858054, MONDO:0011523, OMIM 605231.

Allele frequency attached by ClinVar (database versions not stated): gnomAD exomes below 0.00001; ExAC 0.00001; TOPMed 0.00002; gnomAD 0.00004; 1000 Genomes Project 30x 0.00016; 1000 Genomes Project 0.00020.

Submissions (2):

PreventionGenetics, part of Exact Sciences
Classification: Uncertain significance for MKKS-related condition. Last evaluated: 2026-02-16. Review status: criteria provided, single submitter. Criteria: ACMG Guidelines, 2015. Collection method: clinical testing. Allele origin: germline.
Comment: The MKKS c.14A>C variant is predicted to result in the amino acid substitution p.Glu5Ala. To our knowledge, this variant has not been reported in the literature. This variant is reported in 0.012% of alleles in individuals of African descent in gnomAD. At this time, the clinical significance of this variant is uncertain due to the absence of conclusive functional and genetic evidence.

New York Genome Center
Classification: Uncertain significance for Bardet-Biedl syndrome 6; McKusick-Kaufman syndrome. Last evaluated: 2022-01-05. Review status: criteria provided, single submitter. Criteria: NYGC Assertion Criteria 2020. Collection method: clinical testing. Allele origin: germline. Observed: 1 heterozygote.